The following is an entry in ClinVar:

NC_012920.1(MT-TR):m.10455A>G

Gene: MT-TR (mitochondrially encoded tRNA arginine; plus strand).
Variant type: single nucleotide variant.
Genome position: chrM-10455-A-G.
Identifiers: ClinVar variation 690123 (VCV000690123.2), dbSNP rs1603222840, ClinGen allele CA913163341.

ClinVar aggregate classification (germline): Uncertain significance. Review status: reviewed by expert panel (3 of 4 stars). 2 submissions from 2 submitters: Uncertain significance (1). 1 of the submissions does not count toward it. Last evaluated 2021-12-10.

Conditions:
Mitochondrial disease. Also called: Mitochondrial disorder; Mitochondrial disorders. Identifiers: Orphanet 68380, MedGen C0751651, MeSH D028361, MONDO:0044970.
MELAS syndrome (MELAS). Also called: Juvenile myopathy, encephalopathy, lactic acidosis, stroke. Identifiers: Orphanet 550, MedGen C0162671, MONDO:0010789, OMIM 540000.

Submissions (2):

ClinGen Mitochondrial Disease Nuclear and Mitochondrial  Variant Curation Expert Panel, ClinGen
Classification: Uncertain significance for Mitochondrial disease. Last evaluated: 2021-12-10. Review status: reviewed by expert panel. Criteria: clingen mito disease acmg specifications v1-1. Collection method: curation. Allele origin: germline. Inheritance: Mitochondrial inheritance.
Comment: The m.10455A>G variant in MT-TR was reviewed by the Mitochondrial Disease Nuclear and Mitochondrial Variant Curation Expert Panel as part of the variant pilot for mitochondrial DNA variant specifications (McCormick et al., 2020; PMID: 32906214). This does not meet criteria for PS4_supporting which requires at least two unrelated affected individuals. There are no large families reported in the medical literature to consider for evidence of segregation. There are several occurrences of this variant in GenBank sequences queried through MITOMAP on 6/29/2020 (seen in 1-4 individuals from several haplogroups including J1c, H1b, H1j, U5a, N1a for a total of 12/51,192 frequency). The computational predictor MitoTIP suggests this variant is likely benign (10th percentile) and HmtVAR predicts it to be likely polymorphic (BP4). There are no cybrid or single fiber studies reported on this variant. In summary, this variant meets criteria to be classified as uncertain significance for primary mitochondrial disease inherited in a mitochondrial manner. This classification was approved by the NICHD U24 Mitochondrial Disease Variant Curation Expert Panel as of August 20, 2020. Mitochondrial DNA-specific ACMG/AMP criteria applied: BP4.

Wong Mito Lab, Molecular and Human Genetics, Baylor College of Medicine
Classification: Benign for MELAS syndrome. Last evaluated: 2019-07-12. Review status: criteria provided, single submitter. Criteria: Modified ACMG Guidelines (Unpublished). Collection method: clinical testing. Allele origin: germline. Not counted in ClinVar's aggregate classification.
Comment: The NC_012920.1:m.10455A>G variant in MT-TR gene is interpreted to be a Benign variant based on the modified ACMG guidelines (unpublished). This variant meets the following evidence codes reported in the guidelines: BS1, BS2, BP4

Literature cited by the submitters: PubMed 31965079 (cited by Wong Mito Lab, Molecular and Human Genetics, Baylor College of Medicine).